The following is an entry in ClinVar:

ClinVar aggregate classification (germline): Conflicting classifications of pathogenicity. Review status: criteria provided, conflicting classifications (1 of 4 stars). 22 submissions from 22 submitters: Uncertain significance (2); Benign (3); Likely benign (11). 6 of the submissions do not count toward it. Last evaluated 2026-08-01.

Conditions:
Polymerase proofreading-related adenomatous polyposis. Also called: Polymerase proofreading associated polyposis; Polymerase proofreading–associated polyposis (PPAP). Identifiers: Orphanet 447877, MedGen C5202613, MONDO:0018653.
Hereditary cancer-predisposing syndrome. Also called: Hereditary neoplastic syndrome; Hereditary Cancer Syndrome; Neoplastic Syndromes, Hereditary; Tumor predisposition. Identifiers: Orphanet 140162, MedGen C0027672, MeSH D009386, MONDO:0015356.
POLD1-related polyposis and colorectal cancer syndrome (CRCS10). Also called: COLORECTAL CANCER, SUSCEPTIBILITY TO, ON CHROMOSOME 19q; Colorectal cancer 10; Colorectal cancer, susceptibility to, 10. Identifiers: Orphanet 220460, MedGen C2675481, MONDO:0012953, OMIM 612591.

Allele frequency attached by ClinVar (database versions not stated): 1000 Genomes Project 30x 0.00031; gnomAD 0.00159; TOPMed 0.00200; ESP Exome Variant Server 0.00300.
gnomAD v4.1: 4,151 of 1,595,608 alleles (0.26%); highest among the groups gnomAD compares: Non-Finnish European, 0.33%; 5 homozygotes.

Submissions (22):

CeGaT Center for Human Genetics Tuebingen
Classification: Likely benign. Last evaluated: 2026-08-01. Review status: criteria provided, single submitter. Criteria: CeGaT Center For Human Genetics Tuebingen Variant Classification Criteria Version 2. Collection method: clinical testing. Allele origin: germline. Affected: yes. Observed: 18 variant alleles.
Comment: POLD1: BS1

Labcorp Genetics (formerly Invitae), Labcorp
Classification: Benign for POLD1-related polyposis and colorectal cancer syndrome. Last evaluated: 2026-02-04. Review status: criteria provided, single submitter. Criteria: Invitae Variant Classification Sherloc (09022015). Collection method: clinical testing. Allele origin: germline.

Center for Genomic Medicine, Rigshospitalet, Copenhagen University Hospital
Classification: Uncertain significance. Last evaluated: 2025-12-29. Review status: criteria provided, single submitter. Criteria: ACMG Guidelines, 2015. Collection method: clinical testing. Allele origin: germline.

Dasa
Classification: Likely benign. Last evaluated: 2025-12-23. Review status: criteria provided, single submitter. Criteria: DASA Assertion Criteria. Collection method: clinical testing. Allele origin: germline.
Comment: NM_002691.4(POLD1):c.80A>T (p.Asp27Val) is a missense variant that results in the substitution of aspartic acid with valine. Population frequency is inconsistent with a disease-causing role for this variant. Computational prediction algorithms are consistent with a benign effect. Therefore, based on the currently available evidence, this variant is classified as likely benign.

Mayo Clinic Laboratories, Mayo Clinic
Classification: Likely benign. Last evaluated: 2025-10-06. Review status: criteria provided, single submitter. Criteria: ACMG Guidelines, 2015. Collection method: clinical testing. Allele origin: germline. Observed: 3 variant alleles.
Comment: BS1, BP4

ARUP Laboratories, Molecular Genetics and Genomics, ARUP Laboratories
Classification: Likely benign. Last evaluated: 2025-06-27. Review status: criteria provided, single submitter. Criteria: ARUP Molecular Germline Variant Investigation Process 2024. Collection method: clinical testing. Allele origin: germline.

Blueprint Genetics
Classification: Likely benign. Last evaluated: 2024-11-19. Review status: criteria provided, single submitter. Criteria: ACMG Guidelines, 2015. Collection method: clinical testing. Allele origin: germline.

Women's Health and Genetics/Laboratory Corporation of America, LabCorp
Classification: Likely benign. Last evaluated: 2023-09-07. Review status: criteria provided, single submitter. Criteria: LabCorp Variant Classification Summary - May 2015. Collection method: clinical testing. Allele origin: germline.

Genetic Services Laboratory, University of Chicago
Classification: Likely benign. Last evaluated: 2021-12-15. Review status: criteria provided, single submitter. Criteria: ACMG Guidelines, 2015. Collection method: clinical testing. Allele origin: germline. Affected: no.

Institute for Clinical Genetics, University Hospital TU Dresden, University Hospital TU Dresden
Classification: Likely benign. Last evaluated: 2021-11-03. Review status: criteria provided, single submitter. Criteria: ACMG Guidelines, 2015. Collection method: clinical testing. Allele origin: germline.

Sema4
Classification: Benign for Hereditary cancer-predisposing syndrome. Last evaluated: 2020-07-07. Review status: criteria provided, single submitter. Criteria: Sema4 Curation Guidelines. Collection method: curation. Allele origin: germline.

Ambry Genetics
Classification: Benign for Hereditary cancer-predisposing syndrome. Last evaluated: 2019-11-05. Review status: criteria provided, single submitter. Criteria: Ambry Variant Classification Scheme 2023. Collection method: clinical testing. Allele origin: germline.

Mendelics
Classification: Likely benign for POLD1-related polyposis and colorectal cancer syndrome. Last evaluated: 2019-05-28. Review status: criteria provided, single submitter. Criteria: Mendelics Assertion Criteria 2017. Collection method: clinical testing. Allele origin: unknown.

GeneDx
Classification: Likely benign. Last evaluated: 2018-01-11. Review status: criteria provided, single submitter. Criteria: GeneDx Variant Classification (06012015). Collection method: clinical testing. Allele origin: germline. Affected: yes.
Comment: This variant is considered likely benign or benign based on one or more of the following criteria: it is a conservative change, it occurs at a poorly conserved position in the protein, it is predicted to be benign by multiple in silico algorithms, and/or has population frequency not consistent with disease.

PreventionGenetics, part of Exact Sciences
Classification: Likely benign. Last evaluated: 2017-07-10. Review status: criteria provided, single submitter. Criteria: ACMG Guidelines, 2015. Collection method: clinical testing. Allele origin: germline.

Quest Diagnostics Nichols Institute San Juan Capistrano
Classification: Uncertain significance. Last evaluated: 2017-04-07. Review status: criteria provided, single submitter. Criteria: Quest Diagnostics criteria. Collection method: clinical testing. Allele origin: germline.

True Health Diagnostics
Classification: Uncertain significance for Hereditary cancer-predisposing syndrome. Last evaluated: 2017-08-23. Review status: no assertion criteria provided. Collection method: clinical testing. Allele origin: germline. Not counted in ClinVar's aggregate classification.

Clinical Genetics, Academic Medical Center
Classification: Benign. Review status: no assertion criteria provided. Collection method: clinical testing. Allele origin: germline. Affected: yes. Study: VKGL Data-share Consensus. Not counted in ClinVar's aggregate classification.

Department of Pathology and Laboratory Medicine, Sinai Health System
Classification: Likely benign for Polymerase proofreading-related adenomatous polyposis. Review status: no assertion criteria provided. Collection method: clinical testing. Allele origin: unknown. Affected: yes. Study: The Canadian Open Genetics Repository (COGR). Not counted in ClinVar's aggregate classification.
Comment: The POLD1 p.Asp27Val variant was not identified in the literature nor was it identified in the Cosmic or MutDB databases. The variant was identified in dbSNP (ID: rs150066950), ClinVar (classified with conflicting interpretations of pathogenicity; benign by Invitae and Ambry Genetics, likely benign by GeneDx, Mendelics, Prevention Genetics, Praxis fuer Humangenetick Tuebingen Diagnostic Laboratory, Department of Genetics,University Medical Center Groningen, and uncertain significance by Quest Diagnostics Nichols Institute San Juan Capistrano and True Health Diagnostics). Ambry reports co-occurence with a mutation in another gene that clearly explains a proband's phenotype (ClinVar, SCV000670890.2).The variant was identified in control databases in 485 of 251414 chromosomes (1 homozygous) at a frequency of 0.001929, and was observed at the highest frequency in the European population in 394 of 113670 chromosomes (freq: 0.003466) (Genome Aggregation Database March 6, 2019, v2.1.1).The p.Asp27 residue is not conserved in mammals and computational analyses (MUT Assesor, PolyPhen-2, SIFT, MutationTaster, Revel, FATHMM, MetaLR, DANN) do not suggest a high likelihood of impact to the protein; Â¬â€ this information is not predictive enough to rule out pathogenicity. The variant occurs outside of the splicing consensus sequence and in silico or computational prediction software programs (Splice AI exome) do not predict a deleterious effect on splicing. In summary, based on the above information the clinical significance of this variant cannot be determined with certainty at this time although we would lean towards a more benign role for this variant. This variant is classified as likely benign.

Diagnostic Laboratory, Department of Genetics, University Medical Center Groningen
Classification: Likely benign for POLD1-related polyposis and colorectal cancer syndrome. Review status: no assertion criteria provided. Collection method: clinical testing. Allele origin: germline. Affected: yes. Study: VKGL Data-share Consensus. Not counted in ClinVar's aggregate classification.

Genome Diagnostics Laboratory, Amsterdam University Medical Center
Classification: Likely benign. Review status: no assertion criteria provided. Collection method: clinical testing. Allele origin: germline. Affected: yes. Study: VKGL Data-share Consensus. Not counted in ClinVar's aggregate classification.

Laboratory of Diagnostic Genome Analysis, Leiden University Medical Center (LUMC)
Classification: Likely benign. Review status: no assertion criteria provided. Collection method: clinical testing. Allele origin: germline. Affected: yes. Study: VKGL Data-share Consensus. Not counted in ClinVar's aggregate classification.

NM_002691.4(POLD1):c.80A>T (p.Asp27Val)

Gene: POLD1 (DNA polymerase delta 1, catalytic subunit; plus strand). Cytogenetic location: 19q13.33.
Variant type: single nucleotide variant.
Coding change: c.80A>T on transcript NM_002691.4 (MANE Select); coding-DNA position 80, A replaced by T.
Protein change: p.Asp27Val; replaces aspartic acid 27 with valine.
Molecular consequence: missense variant. On other transcripts: non-coding transcript variant (1).
Genome position (GRCh38, 1-based): chr19:50,398,931, A>T. VCF-style: chr19-50398931-A-T. GRCh37 (hg19) VCF-style: chr19-50902188-A-T.
Other names: c.80A>T, p.Asp27Val (NM_001256849.1, NM_001308632.1); short protein forms D27V.
Identifiers: ClinVar variation 245862 (VCV000245862.114), dbSNP rs150066950, ClinGen allele CA9595609.